The following is an entry in ClinVar:

NM_020812.4(DOCK6):c.5221-3C>G

Genes: DOCK6 (dedicator of cytokinesis 6; minus strand), DOCK6-AS1 (DOCK6 antisense RNA 1; plus strand). Cytogenetic location: 19p13.2.
Variant type: single nucleotide variant.
Coding change: c.5221-3C>G on transcript NM_020812.4 (MANE Select); 3 bases into the intron before coding-DNA position 5221, C replaced by G.
Molecular consequence: intron variant.
Genome position (GRCh38, 1-based): chr19:11,204,098, G>C on the plus strand (C>G on the coding strand, the complement: DOCK6 is on the minus strand). VCF-style: chr19-11204098-G-C. GRCh37 (hg19) VCF-style: chr19-11314774-G-C.
Other names: c.5326-3C>G (NM_001367830.1).
Identifiers: ClinVar variation 1920044 (VCV001920044.5), dbSNP rs1004531285, ClinGen allele CA2580096380.
Genomic context (GRCh38, chr19:11,204,098, plus strand): 5'-GGGGGTCCCAGAGGCAGGTGGCTGTCCACCAAGGCTGACTCACCTCCCAGCCGGAACTCT[G>C]TGGGGAAGAGAAGGGTCAAGGTCAGCAGATCCCTGGGGATGAGGAGTGGGGATGAGGAGT-3'

ClinVar aggregate classification (germline): Uncertain significance (1 of 4 stars; one submission).

Submission:

Labcorp Genetics (formerly Invitae), Labcorp
Classification: Uncertain significance. Last evaluated: 2023-08-30. Review status: criteria provided, single submitter. Criteria: Invitae Variant Classification Sherloc (09022015). Collection method: clinical testing. Allele origin: germline.
Comment: In summary, the available evidence is currently insufficient to determine the role of this variant in disease. Therefore, it has been classified as a Variant of Uncertain Significance. Variants that disrupt the consensus splice site are a relatively common cause of aberrant splicing (PMID: 17576681, 9536098). Algorithms developed to predict the effect of sequence changes on RNA splicing suggest that this variant may disrupt the consensus splice site. ClinVar contains an entry for this variant (Variation ID: 1920044). This variant has not been reported in the literature in individuals affected with DOCK6-related conditions. This variant is not present in population databases (gnomAD no frequency). This sequence change falls in intron 40 of the DOCK6 gene. It does not directly change the encoded amino acid sequence of the DOCK6 protein. It affects a nucleotide within the consensus splice site.

Literature cited by the submitters: PubMed 17576681; PubMed 9536098.